The following is an entry in ClinVar:

ClinVar aggregate classification (germline): Pathogenic/Likely pathogenic. Review status: criteria provided, multiple submitters, no conflicts (2 of 4 stars). 3 submissions from 3 submitters: Pathogenic (1); Likely pathogenic (1). 1 of the submissions does not count toward it. Last evaluated 2025-09-02.

Conditions:
Familial dysautonomia. Also called: FD; HSAN III. Identifiers: Orphanet 1764, MedGen C0013364, MONDO:0009131, OMIM 223900. Disease mechanism: loss of function.

Allele frequency attached by ClinVar (database versions not stated): gnomAD exomes below 0.00001; ExAC 0.00001.

Submissions (3):

Natera, Inc.
Classification: Likely pathogenic for Familial dysautonomia. Last evaluated: 2025-09-02. Review status: criteria provided, single submitter. Criteria: Natera Variant Classification Schema (03/2026). Collection method: clinical testing. Allele origin: germline.
Comment: The c.2076dup variant in ELP1 is a frameshift variant predicted to shift the reading frame beginning at codon 693 and leads to a stop codon 47 codons downstream. This variant is expected to result in nonsense mediated decay, truncation, or a dysfunctional protein product. This variant is rare in the general population with a frequency below the threshold expected for the associated phenotype(s). Given the available evidence, this variant is classified as Likely Pathogenic.

Labcorp Genetics (formerly Invitae), Labcorp
Classification: Pathogenic. Last evaluated: 2023-10-18. Review status: criteria provided, single submitter. Criteria: Invitae Variant Classification Sherloc (09022015). Collection method: clinical testing. Allele origin: germline.
Comment: This sequence change creates a premature translational stop signal (p.Arg693Glufs*47) in the ELP1 gene. It is expected to result in an absent or disrupted protein product. Loss-of-function variants in ELP1 are known to be pathogenic (PMID: 18303054, 24173031). This variant is present in population databases (rs763445509, gnomAD 0.0009%). This variant has not been reported in the literature in individuals affected with ELP1-related conditions. ClinVar contains an entry for this variant (Variation ID: 370735). For these reasons, this variant has been classified as Pathogenic.

Counsyl
Classification: Likely pathogenic for Familial dysautonomia. Last evaluated: 2016-04-01. Review status: no assertion criteria provided. Collection method: clinical testing. Allele origin: unknown. Not counted in ClinVar's aggregate classification.

Literature cited by the submitters: PubMed 18303054 (cited by Labcorp Genetics (formerly Invitae), Labcorp); PubMed 24173031 (cited by Labcorp Genetics (formerly Invitae), Labcorp).

NM_003640.5(ELP1):c.2076dup (p.Arg693fs)

Gene: ELP1 (elongator acetyltransferase complex subunit 1; minus strand). Cytogenetic location: 9q31.3.
Variant type: Duplication.
Coding change: c.2076dup on transcript NM_003640.5 (MANE Select); coding-DNA position 2076, one base duplicated (G; older notation c.2076dupG).
Protein change: p.Arg693fs; shifts the reading frame from arginine 693.
Molecular consequence: frameshift variant.
Genome position (GRCh38, 1-based): chr9:108,900,314, C duplicated on the plus strand (G on the coding strand, the reverse complement: ELP1 is on the minus strand). VCF-style (leftmost placement, unchanged base first): chr9-108900313-T-TC. GRCh37 (hg19) VCF-style: chr9-111662593-T-TC.
Other names: c.1734dup, p.Arg579fs (NM_001318360.2); c.1029dup, p.Arg344fs (NM_001330749.2); c.2076dup (LRG_251t1, NM_003640.4); short protein forms R579fs, R693fs, R344fs.
Identifiers: ClinVar variation 370735 (VCV000370735.7), dbSNP rs763445509, ClinGen allele CA5174783.